The following is an entry in ClinVar:

NM_020964.3(EPG5):c.6275T>C (p.Leu2092Pro)

Gene: EPG5 (ectopic P-granules 5 autophagy tethering factor; minus strand). Cytogenetic location: 18q12.3.
Variant type: single nucleotide variant.
Coding change: c.6275T>C on transcript NM_020964.3 (MANE Select); coding-DNA position 6275, T replaced by C.
Protein change: p.Leu2092Pro; replaces leucine 2092 with proline.
Molecular consequence: missense variant.
Genome position (GRCh38, 1-based): chr18:45,867,699, A>G on the plus strand (T>C on the coding strand, the complement: EPG5 is on the minus strand). VCF-style: chr18-45867699-A-G. GRCh37 (hg19) VCF-style: chr18-43447664-A-G.
Other names: c.6275T>C, p.Leu2092Pro (LRG_1234t1); short protein forms L2092P.
Identifiers: ClinVar variation 626235 (VCV000626235.6), dbSNP rs1568104317, ClinGen allele CA402339804.

ClinVar aggregate classification (germline): Uncertain significance. Review status: criteria provided, multiple submitters, no conflicts (2 of 4 stars). 2 submissions from 2 submitters: Uncertain significance (2). Last evaluated 2022-05-25.

Conditions:
Vici syndrome (VICIS). Identifiers: Orphanet 1493, MedGen C1855772, MONDO:0009452, OMIM 242840.

Allele frequency attached by ClinVar (database versions not stated): gnomAD exomes 0.00001.
gnomAD v4.1: 5 of 1,611,320 alleles (0.00031%); highest among the groups gnomAD compares: Non-Finnish European, 0.00042%; no homozygotes.

Submissions (2):

Labcorp Genetics (formerly Invitae), Labcorp
Classification: Uncertain significance for Vici syndrome. Last evaluated: 2022-05-25. Review status: criteria provided, single submitter. Criteria: Invitae Variant Classification Sherloc (09022015). Collection method: clinical testing. Allele origin: germline.
Comment: This variant is not present in population databases (gnomAD no frequency). In summary, the available evidence is currently insufficient to determine the role of this variant in disease. Therefore, it has been classified as a Variant of Uncertain Significance. Algorithms developed to predict the effect of missense changes on protein structure and function are either unavailable or do not agree on the potential impact of this missense change (SIFT: "Deleterious"; PolyPhen-2: "Probably Damaging"; Align-GVGD: "Class C0"). ClinVar contains an entry for this variant (Variation ID: 626235). This missense change has been observed in individual(s) with Vici syndrome (PMID: 26917586). This sequence change replaces leucine, which is neutral and non-polar, with proline, which is neutral and non-polar, at codon 2092 of the EPG5 protein (p.Leu2092Pro).

SIB Swiss Institute of Bioinformatics
Classification: Uncertain significance for Vici syndrome. Last evaluated: 2019-01-17. Review status: criteria provided, single submitter. Criteria: ACMG Guidelines, 2015. Collection method: curation. Allele origin: unknown.
Comment: This variant is interpreted as a Uncertain significance for Vici syndrome, autosomal recessive. The following ACMG Tag(s) were applied: PM2 => Absent from controls (or at extremely low frequency if recessive) in Exome Sequencing Project, 1000 Genomes Project, or Exome Aggregation Consortium. PP3 => Multiple lines of computational evidence support a deleterious effect on the gene or gene product. PM3 => For recessive disorders, detected in trans with a pathogenic variant (PMID:26917586).

ClinGen:CA402339804

Literature cited by the submitters: PubMed 26917586 (cited by Labcorp Genetics (formerly Invitae), Labcorp and SIB Swiss Institute of Bioinformatics).